The following is an entry in ClinVar:

NM_001142800.2(EYS):c.6062T>C (p.Leu2021Pro)

Gene: EYS (eyes shut homolog; minus strand). Cytogenetic location: 6q12.
Variant type: single nucleotide variant.
Coding change: c.6062T>C on transcript NM_001142800.2 (MANE Select); coding-DNA position 6062, T replaced by C.
Protein change: p.Leu2021Pro; replaces leucine 2021 with proline.
Molecular consequence: missense variant.
Genome position (GRCh38, 1-based): chr6:64,388,706, A>G on the plus strand (T>C on the coding strand, the complement: EYS is on the minus strand). VCF-style: chr6-64388706-A-G. GRCh37 (hg19) VCF-style: chr6-65098599-A-G.
Other names: c.6062T>C, p.Leu2021Pro (NM_001292009.2); short protein forms L2021P.
Identifiers: ClinVar variation 860598 (VCV000860598.8), dbSNP rs1372426303, ClinGen allele CA364391977.

ClinVar aggregate classification (germline): Uncertain significance. Review status: criteria provided, single submitter (1 of 4 stars). 2 submissions from 2 submitters: Uncertain significance (1). 1 of the submissions does not count toward it. Last evaluated 2021-08-30.

Conditions:
Retinitis pigmentosa 25 (RP25). Identifiers: Orphanet 791, MedGen C1864446, MONDO:0011272, OMIM 602772.

Allele frequency attached by ClinVar (database versions not stated): TOPMed below 0.00001; gnomAD exomes 0.00001 and 0.00002; gnomAD 0.00003.
gnomAD v4.1: 24 of 1,534,240 alleles (0.0016%); highest among the groups gnomAD compares: Non-Finnish European, 0.002%; no homozygotes.

Submissions (2):

Labcorp Genetics (formerly Invitae), Labcorp
Classification: Uncertain significance. Last evaluated: 2021-08-30. Review status: criteria provided, single submitter. Criteria: Invitae Variant Classification Sherloc (09022015). Collection method: clinical testing. Allele origin: germline.
Comment: This sequence change replaces leucine with proline at codon 2021 of the EYS protein (p.Leu2021Pro). The leucine residue is moderately conserved and there is a moderate physicochemical difference between leucine and proline. This variant is not present in population databases (ExAC no frequency). This variant has not been reported in the literature in individuals affected with EYS-related conditions. Algorithms developed to predict the effect of missense changes on protein structure and function output the following: SIFT: "Tolerated"; PolyPhen-2: "Possibly Damaging"; Align-GVGD: "Class C0". The proline amino acid residue is found in multiple mammalian species, which suggests that this missense change does not adversely affect protein function. In summary, the available evidence is currently insufficient to determine the role of this variant in disease. Therefore, it has been classified as a Variant of Uncertain Significance.

Natera, Inc.
Classification: Uncertain significance for Retinitis pigmentosa type 25. Last evaluated: 2020-01-24. Review status: no assertion criteria provided. Collection method: clinical testing. Allele origin: germline. Not counted in ClinVar's aggregate classification.